The following is an entry in ClinVar:

ClinVar aggregate classification (germline): Uncertain significance. Review status: criteria provided, multiple submitters, no conflicts (2 of 4 stars). 4 submissions from 4 submitters: Uncertain significance (4). Last evaluated 2024-12-31.

Conditions:
Hemolytic anemia due to glutathione reductase deficiency (CNSHA10). Also called: ANEMIA, CONGENITAL, NONSPHEROCYTIC HEMOLYTIC, 10. Identifiers: Orphanet 90030, MedGen C5231513, MONDO:0019531, OMIM 618660.

Allele frequency attached by ClinVar (database versions not stated): 1000 Genomes Project 30x 0.00031; gnomAD 0.00037 and 0.00036; TOPMed 0.00049; gnomAD exomes 0.00006 and 0.00010; ExAC 0.00015; ESP Exome Variant Server 0.00038; 1000 Genomes Project 0.00040.
gnomAD v4.1: 140 of 1,602,724 alleles (0.0087%); highest among the groups gnomAD compares: African/African-American, 0.14%; no homozygotes.

Submissions (4):

Revvity Omics, Revvity
Classification: Uncertain significance for Hemolytic anemia due to glutathione reductase deficiency. Last evaluated: 2024-12-31. Review status: criteria provided, single submitter. Criteria: ACMG Guidelines, 2015. Collection method: clinical testing. Allele origin: germline.

Mayo Clinic Laboratories, Mayo Clinic
Classification: Uncertain significance. Last evaluated: 2024-10-15. Review status: criteria provided, single submitter. Criteria: ACMG Guidelines, 2015. Collection method: clinical testing. Allele origin: germline. Observed: 3 variant alleles.
Comment: PM2_supporting

ARUP Laboratories, Molecular Genetics and Genomics, ARUP Laboratories
Classification: Uncertain significance for Hemolytic anemia due to glutathione reductase deficiency. Last evaluated: 2024-05-30. Review status: criteria provided, single submitter. Criteria: ARUP Molecular Germline Variant Investigation Process 2024. Collection method: clinical testing. Allele origin: germline.

Labcorp Genetics (formerly Invitae), Labcorp
Classification: Uncertain significance. Last evaluated: 2022-05-16. Review status: criteria provided, single submitter. Criteria: Invitae Variant Classification Sherloc (09022015). Collection method: clinical testing. Allele origin: germline.
Comment: This sequence change replaces arginine, which is basic and polar, with cysteine, which is neutral and slightly polar, at codon 233 of the GSR protein (p.Arg233Cys). This variant is present in population databases (rs145851500, gnomAD 0.1%). This variant has not been reported in the literature in individuals affected with GSR-related conditions. ClinVar contains an entry for this variant (Variation ID: 811894). Algorithms developed to predict the effect of missense changes on protein structure and function are either unavailable or do not agree on the potential impact of this missense change (SIFT: "Deleterious"; PolyPhen-2: "Probably Damaging"; Align-GVGD: "Class C0"). In summary, the available evidence is currently insufficient to determine the role of this variant in disease. Therefore, it has been classified as a Variant of Uncertain Significance.

Literature cited by the submitters: PubMed 35361806 (cited by Mayo Clinic Laboratories, Mayo Clinic).

NM_000637.5(GSR):c.697C>T (p.Arg233Cys)

Gene: GSR (glutathione-disulfide reductase; minus strand). Cytogenetic location: 8p12.
Variant type: single nucleotide variant.
Coding change: c.697C>T on transcript NM_000637.5 (MANE Select); coding-DNA position 697, C replaced by T.
Protein change: p.Arg233Cys; replaces arginine 233 with cysteine.
Molecular consequence: missense variant.
Genome position (GRCh38, 1-based): chr8:30,696,478, G>A on the plus strand (C>T on the coding strand, the complement: GSR is on the minus strand). VCF-style: chr8-30696478-G-A. GRCh37 (hg19) VCF-style: chr8-30553995-G-A.
Other names: p.Arg233Cys; c.697C>T, p.Arg233Cys (NM_001195102.3, NM_001195103.3, NM_001195104.3); short protein forms R233C.
Identifiers: ClinVar variation 811894 (VCV000811894.17), dbSNP rs145851500, ClinGen allele CA4701408.